The following is an entry in ClinVar:

NM_000277.3(PAH):c.353-2A>G

Gene: PAH (phenylalanine hydroxylase; minus strand). Cytogenetic location: 12q23.2.
Variant type: single nucleotide variant.
Coding change: c.353-2A>G on transcript NM_000277.3 (MANE Select); the canonical splice acceptor site of the intron before coding-DNA position 353, A replaced by G.
Molecular consequence: splice acceptor variant.
Genome position (GRCh38, 1-based): chr12:102,877,552, T>C on the plus strand (A>G on the coding strand, the complement: PAH is on the minus strand). VCF-style: chr12-102877552-T-C. GRCh37 (hg19) VCF-style: chr12-103271330-T-C.
Other names: c.353-2A>G (NM_001354304.2).
Identifiers: ClinVar variation 872840 (VCV000872840.1), dbSNP rs1876628624, ClinGen allele CA16020771.

ClinVar aggregate classification (germline): Pathogenic (3 of 4 stars; one submission).

Conditions:
Phenylketonuria (PKU). Also called: FOLLING DISEASE; Phenylketonuria (PKU); OLIGOPHRENIA PHENYLPYRUVICA; Phenylketonurias. Identifiers: Orphanet 716, MedGen C0031485, MONDO:0009861, OMIM 261600. Disease mechanism: loss of function.

Submission:

ClinGen PAH Variant Curation Expert Panel
Classification: Pathogenic for Phenylketonuria. Last evaluated: 2019-10-18. Review status: reviewed by expert panel. Criteria: ClinGen PAH ACMG Specifications v1. Collection method: curation. Allele origin: germline. Inheritance: Autosomal recessive inheritance.
Comment: This c.353-2A>G (IVS3-2A>G) variant in PAH was reported in two Chinese patients with PAH deficiency (PMID: 26503515). DHPR activity, biopterin and/or pteridine analysis was performed to rule out other causes of hyperphenylalaninemia. This variant is absent from population databases ExAC and gnomAD. This variant in the -2 splice acceptor site of IVS3 results in exon skipping or use of a cryptic splice site. In summary, this variant meets criteria to be classified as pathogenic for PAH. PAH-specific ACMG/AMP criteria applied: PP4_moderate, PM2, PVS1_very strong.

Literature cited by the submitters: PubMed 26503515.